The following is an entry in ClinVar:

ClinVar aggregate classification (germline): Uncertain significance. Review status: criteria provided, multiple submitters, no conflicts (2 of 4 stars). 2 submissions from 2 submitters: Uncertain significance (2). Last evaluated 2025-12-03.

Conditions:
Birt-Hogg-Dube syndrome. Also called: Birt Hogg Dubé syndrome. Identifiers: Orphanet 122, MedGen C0346010, MONDO:0800444.
Hereditary cancer-predisposing syndrome. Also called: Hereditary neoplastic syndrome; Neoplastic Syndromes, Hereditary; Tumor predisposition; Hereditary Cancer Syndrome. Identifiers: Orphanet 140162, MedGen C0027672, MeSH D009386, MONDO:0015356.

Allele frequency attached by ClinVar (database versions not stated): gnomAD exomes below 0.00001; TOPMed 0.00001.
gnomAD v4.1: 1 of 1,614,056 alleles (0.000062%); highest among the groups gnomAD compares: East Asian, 0.0022%; no homozygotes.

Submissions (2):

Labcorp Genetics (formerly Invitae), Labcorp
Classification: Uncertain significance for Birt-Hogg-Dube syndrome. Last evaluated: 2025-12-03. Review status: criteria provided, single submitter. Criteria: Invitae Variant Classification Sherloc (09022015). Collection method: clinical testing. Allele origin: germline.
Comment: This sequence change replaces glycine, which is neutral and non-polar, with aspartic acid, which is acidic and polar, at codon 42 of the FLCN protein (p.Gly42Asp). This variant is not present in population databases (gnomAD no frequency). This variant has not been reported in the literature in individuals affected with FLCN-related conditions. ClinVar contains an entry for this variant (Variation ID: 409399). An algorithm developed to predict the effect of missense changes on protein structure and function (PolyPhen-2) suggests that this variant is likely to be tolerated. In summary, the available evidence is currently insufficient to determine the role of this variant in disease. Therefore, it has been classified as a Variant of Uncertain Significance.

Ambry Genetics
Classification: Uncertain significance for Hereditary cancer-predisposing syndrome. Last evaluated: 2024-12-04. Review status: criteria provided, single submitter. Criteria: Ambry Variant Classification Scheme 2023. Collection method: clinical testing. Allele origin: germline.
Comment: The p.G42D variant (also known as c.125G>A), located in coding exon 1 of the FLCN gene, results from a G to A substitution at nucleotide position 125. The glycine at codon 42 is replaced by aspartic acid, an amino acid with similar properties. This amino acid position is not well conserved in available vertebrate species. In addition, the in silico prediction for this alteration is inconclusive. Based on the available evidence, the clinical significance of this variant remains unclear.

NM_144997.7(FLCN):c.125G>A (p.Gly42Asp)

Gene: FLCN (folliculin; minus strand). Cytogenetic location: 17p11.2.
Variant type: single nucleotide variant.
Coding change: c.125G>A on transcript NM_144997.7 (MANE Select); coding-DNA position 125, G replaced by A.
Protein change: p.Gly42Asp; replaces glycine 42 with aspartic acid.
Molecular consequence: missense variant.
Genome position (GRCh38, 1-based): chr17:17,228,013, C>T on the plus strand (G>A on the coding strand, the complement: FLCN is on the minus strand). VCF-style: chr17-17228013-C-T. GRCh37 (hg19) VCF-style: chr17-17131327-C-T.
Other names: c.125G>A (LRG_325t1); c.125G>A, p.Gly42Asp (NM_001353229.2, NM_001353230.2, NM_001353231.2 and 1 more transcripts); short protein forms G42D.
Identifiers: ClinVar variation 409399 (VCV000409399.12), dbSNP rs999239742, ClinGen allele CA16615533.